The following is an entry in ClinVar:

ClinVar aggregate classification (germline): Pathogenic (1 of 4 stars; one submission).

Conditions:
Inborn genetic diseases. Identifiers: MedGen C0950123, MeSH D030342.

Submission:

Ambry Genetics
Classification: Pathogenic for Inborn genetic diseases. Last evaluated: 2024-07-03. Review status: criteria provided, single submitter. Criteria: Ambry Variant Classification Scheme 2023. Collection method: clinical testing. Allele origin: germline.
Comment: The c.2699_2700delGG (p.G900Vfs*39) alteration, located in exon 11 (coding exon 11) of the JARID2 gene, consists of a deletion of 2 nucleotides from position 2699 to 2700, causing a translational frameshift with a predicted alternate stop codon after 39 amino acids. This alteration is expected to result in loss of function by premature protein truncation or nonsense-mediated mRNA decay. This variant was not reported in population-based cohorts in the Genome Aggregation Database (gnomAD). Based on the available evidence, this alteration is classified as pathogenic.

NM_004973.4(JARID2):c.2699_2700del (p.Gly900fs)

Gene: JARID2 (jumonji and AT-rich interaction domain containing 2; plus strand). Cytogenetic location: 6p22.3.
Variant type: Deletion.
Coding change: c.2699_2700del on transcript NM_004973.4 (MANE Select); coding-DNA positions 2699 to 2700, 2 bases deleted (GG; older notation c.2699_2700delGG).
Protein change: p.Gly900fs; shifts the reading frame from glycine 900.
Molecular consequence: frameshift variant.
Genome position (GRCh38, 1-based): chr6:15,507,384-15,507,385, GG deleted; deleting any 2 consecutive bases within chr6:15,507,383-15,507,385 gives the same sequence; the c. name uses the placement nearest the transcript's 3' end. VCF-style (leftmost placement, unchanged base first): chr6-15507382-AGG-A. GRCh37 (hg19) VCF-style: chr6-15507613-AGG-A.
Other names: c.2183_2184del, p.Gly728fs (NM_001267040.1); short protein forms G728fs, G900fs.
Identifiers: ClinVar variation 3531322 (VCV003531322.1).